The following is an entry in ClinVar:

NM_021814.5(ELOVL5):c.303C>T (p.Thr101=)

Gene: ELOVL5 (ELOVL fatty acid elongase 5; minus strand). Cytogenetic location: 6p12.1.
Variant type: single nucleotide variant.
Coding change: c.303C>T on transcript NM_021814.5 (MANE Select); coding-DNA position 303, C replaced by T.
Protein change: p.Thr101=; no amino-acid change (threonine 101 retained).
Molecular consequence: synonymous variant.
Genome position (GRCh38, 1-based): chr6:53,276,200, G>A on the plus strand (C>T on the coding strand, the complement: ELOVL5 is on the minus strand). VCF-style: chr6-53276200-G-A. GRCh37 (hg19) VCF-style: chr6-53140998-G-A.
Other names: c.384C>T, p.Thr128= (NM_001242828.2); c.303C>T, p.Thr101= (NM_001242830.2, NM_001301856.2).
Identifiers: ClinVar variation 1916106 (VCV001916106.12), dbSNP rs773383271, ClinGen allele CA3859766.

ClinVar aggregate classification (germline): Likely benign. Review status: criteria provided, multiple submitters, no conflicts (2 of 4 stars). 2 submissions from 2 submitters: Likely benign (2). Last evaluated 2025-07-01.

Allele frequency attached by ClinVar (database versions not stated): gnomAD exomes below 0.00001; gnomAD 0.00002; ExAC 0.00003; TOPMed 0.00004.
gnomAD v4.1: 6 of 1,612,212 alleles (0.00037%); highest among the groups gnomAD compares: African/African-American, 0.0053%; no homozygotes.

Submissions (2):

Labcorp Genetics (formerly Invitae), Labcorp
Classification: Likely benign. Last evaluated: 2025-07-01. Review status: criteria provided, single submitter. Criteria: Invitae Variant Classification Sherloc (09022015). Collection method: clinical testing. Allele origin: germline.

CeGaT Center for Human Genetics Tuebingen
Classification: Likely benign. Last evaluated: 2025-04-01. Review status: criteria provided, single submitter. Criteria: CeGaT Center For Human Genetics Tuebingen Variant Classification Criteria Version 2. Collection method: clinical testing. Allele origin: germline. Affected: yes. Observed: 1 variant allele.
Comment: ELOVL5: BP4, BP7